The following is an entry in ClinVar:

ClinVar aggregate classification (germline): Likely benign. Review status: criteria provided, multiple submitters, no conflicts (2 of 4 stars). 4 submissions from 4 submitters: Likely benign (4). Last evaluated 2025-11-23.

Conditions:
Cardiovascular phenotype. Identifiers: MedGen CN230736.
Legius syndrome. Identifiers: Orphanet 137605, MedGen C1969623, MONDO:0012669, OMIM 611431. Disease mechanism: loss of function.

Allele frequency attached by ClinVar (database versions not stated): gnomAD exomes 0.00001; ExAC 0.00002; gnomAD 0.00003 and 0.00004; TOPMed 0.00005.
gnomAD v4.1: 15 of 1,611,542 alleles (0.00093%); highest among the groups gnomAD compares: African/African-American, 0.013%; no homozygotes.

Submissions (4):

Labcorp Genetics (formerly Invitae), Labcorp
Classification: Likely benign for Legius syndrome. Last evaluated: 2025-11-23. Review status: criteria provided, single submitter. Criteria: Invitae Variant Classification Sherloc (09022015). Collection method: clinical testing. Allele origin: germline.

Ambry Genetics
Classification: Likely benign for Cardiovascular phenotype. Last evaluated: 2024-05-19. Review status: criteria provided, single submitter. Criteria: Ambry Variant Classification Scheme 2023. Collection method: clinical testing. Allele origin: germline.

Women's Health and Genetics/Laboratory Corporation of America, LabCorp
Classification: Likely benign. Last evaluated: 2020-07-25. Review status: criteria provided, single submitter. Criteria: LabCorp Variant Classification Summary - May 2015. Collection method: clinical testing. Allele origin: germline.

GeneDx
Classification: Likely benign. Last evaluated: 2016-08-02. Review status: criteria provided, single submitter. Criteria: GeneDx Variant Classification (06012015). Collection method: clinical testing. Allele origin: germline. Affected: yes.
Comment: This variant is considered likely benign or benign based on one or more of the following criteria: it is a conservative change, it occurs at a poorly conserved position in the protein, it is predicted to be benign by multiple in silico algorithms, and/or has population frequency not consistent with disease.

NM_152594.3(SPRED1):c.594T>C (p.Gly198=)

Gene: SPRED1 (sprouty related EVH1 domain containing 1; plus strand). Cytogenetic location: 15q14.
Variant type: single nucleotide variant.
Coding change: c.594T>C on transcript NM_152594.3 (MANE Select); coding-DNA position 594, T replaced by C.
Protein change: p.Gly198=; no amino-acid change (glycine 198 retained).
Molecular consequence: synonymous variant.
Genome position (GRCh38, 1-based): chr15:38,349,433, T>C. VCF-style: chr15-38349433-T-C. GRCh37 (hg19) VCF-style: chr15-38641634-T-C.
Identifiers: ClinVar variation 388363 (VCV000388363.12), dbSNP rs756643495, ClinGen allele CA7470134.